The following continues an entry in ClinVar:

NM_007047.5(BTN3A2):c.715+2T>G

Gene: BTN3A2. ClinVar aggregate classification (germline): Benign.

Submissions 34 to 69 of 129:

Dr. Peter K. Rogan Lab, Western University
No classification provided (evidence only). Condition: Sarcoma. Review status: no classification provided. Collection method: in vitro. Allele origin: not applicable. Functional consequence: skipped exon. Not counted in ClinVar's aggregate classification.

Dr. Peter K. Rogan Lab, Western University
No classification provided (evidence only). Condition: Sarcoma. Review status: no classification provided. Collection method: in vitro. Allele origin: not applicable. Functional consequence: skipped exon. Not counted in ClinVar's aggregate classification.

Dr. Peter K. Rogan Lab, Western University
No classification provided (evidence only). Condition: Sarcoma. Review status: no classification provided. Collection method: in vitro. Allele origin: not applicable. Functional consequence: skipped exon. Not counted in ClinVar's aggregate classification.

Dr. Peter K. Rogan Lab, Western University
No classification provided (evidence only). Condition: Sarcoma. Review status: no classification provided. Collection method: in vitro. Allele origin: not applicable. Functional consequence: skipped exon, retained intron. Not counted in ClinVar's aggregate classification.

Dr. Peter K. Rogan Lab, Western University
No classification provided (evidence only). Condition: Sarcoma. Review status: no classification provided. Collection method: in vitro. Allele origin: not applicable. Functional consequence: skipped exon. Not counted in ClinVar's aggregate classification.

Dr. Peter K. Rogan Lab, Western University
No classification provided (evidence only). Condition: Sarcoma. Review status: no classification provided. Collection method: in vitro. Allele origin: not applicable. Functional consequence: skipped exon, retained intron. Not counted in ClinVar's aggregate classification.

Dr. Peter K. Rogan Lab, Western University
No classification provided (evidence only). Condition: Sarcoma. Review status: no classification provided. Collection method: in vitro. Allele origin: not applicable. Functional consequence: skipped exon, retained intron. Not counted in ClinVar's aggregate classification.

Dr. Peter K. Rogan Lab, Western University
No classification provided (evidence only). Condition: Sarcoma. Review status: no classification provided. Collection method: in vitro. Allele origin: not applicable. Functional consequence: skipped exon, retained intron. Not counted in ClinVar's aggregate classification.

Dr. Peter K. Rogan Lab, Western University
No classification provided (evidence only). Condition: Malignant lymphoma, large B-cell, diffuse. Review status: no classification provided. Collection method: in vitro. Allele origin: not applicable. Functional consequence: skipped exon, retained intron. Not counted in ClinVar's aggregate classification.

Dr. Peter K. Rogan Lab, Western University
No classification provided (evidence only). Condition: Hepatocellular carcinoma. Review status: no classification provided. Collection method: in vitro. Allele origin: not applicable. Functional consequence: skipped exon. Not counted in ClinVar's aggregate classification.

Dr. Peter K. Rogan Lab, Western University
No classification provided (evidence only). Condition: Hepatocellular carcinoma. Review status: no classification provided. Collection method: in vitro. Allele origin: not applicable. Functional consequence: skipped exon, retained intron. Not counted in ClinVar's aggregate classification.

Dr. Peter K. Rogan Lab, Western University
No classification provided (evidence only). Condition: Hepatocellular carcinoma. Review status: no classification provided. Collection method: in vitro. Allele origin: not applicable. Functional consequence: skipped exon, retained intron. Not counted in ClinVar's aggregate classification.

Dr. Peter K. Rogan Lab, Western University
No classification provided (evidence only). Condition: Hepatocellular carcinoma. Review status: no classification provided. Collection method: in vitro. Allele origin: not applicable. Functional consequence: skipped exon, retained intron. Not counted in ClinVar's aggregate classification.

Dr. Peter K. Rogan Lab, Western University
No classification provided (evidence only). Condition: Hepatocellular carcinoma. Review status: no classification provided. Collection method: in vitro. Allele origin: not applicable. Functional consequence: skipped exon. Not counted in ClinVar's aggregate classification.

Dr. Peter K. Rogan Lab, Western University
No classification provided (evidence only). Condition: Hepatocellular carcinoma. Review status: no classification provided. Collection method: in vitro. Allele origin: not applicable. Functional consequence: skipped exon. Not counted in ClinVar's aggregate classification.

Dr. Peter K. Rogan Lab, Western University
No classification provided (evidence only). Condition: Hepatocellular carcinoma. Review status: no classification provided. Collection method: in vitro. Allele origin: not applicable. Functional consequence: skipped exon, retained intron. Not counted in ClinVar's aggregate classification.

Dr. Peter K. Rogan Lab, Western University
No classification provided (evidence only). Condition: Hepatocellular carcinoma. Review status: no classification provided. Collection method: in vitro. Allele origin: not applicable. Functional consequence: skipped exon, retained intron. Not counted in ClinVar's aggregate classification.

Dr. Peter K. Rogan Lab, Western University
No classification provided (evidence only). Condition: Hepatocellular carcinoma. Review status: no classification provided. Collection method: in vitro. Allele origin: not applicable. Functional consequence: skipped exon, retained intron. Not counted in ClinVar's aggregate classification.

Dr. Peter K. Rogan Lab, Western University
No classification provided (evidence only). Condition: Hepatocellular carcinoma. Review status: no classification provided. Collection method: in vitro. Allele origin: not applicable. Functional consequence: skipped exon, retained intron. Not counted in ClinVar's aggregate classification.

Dr. Peter K. Rogan Lab, Western University
No classification provided (evidence only). Condition: Hepatocellular carcinoma. Review status: no classification provided. Collection method: in vitro. Allele origin: not applicable. Functional consequence: skipped exon. Not counted in ClinVar's aggregate classification.

Dr. Peter K. Rogan Lab, Western University
No classification provided (evidence only). Condition: Hepatocellular carcinoma. Review status: no classification provided. Collection method: in vitro. Allele origin: not applicable. Functional consequence: skipped exon. Not counted in ClinVar's aggregate classification.

Dr. Peter K. Rogan Lab, Western University
No classification provided (evidence only). Condition: Hepatocellular carcinoma. Review status: no classification provided. Collection method: in vitro. Allele origin: not applicable. Functional consequence: skipped exon. Not counted in ClinVar's aggregate classification.

Dr. Peter K. Rogan Lab, Western University
No classification provided (evidence only). Condition: Hepatocellular carcinoma. Review status: no classification provided. Collection method: in vitro. Allele origin: not applicable. Functional consequence: skipped exon. Not counted in ClinVar's aggregate classification.

Dr. Peter K. Rogan Lab, Western University
No classification provided (evidence only). Condition: Hepatocellular carcinoma. Review status: no classification provided. Collection method: in vitro. Allele origin: not applicable. Functional consequence: skipped exon. Not counted in ClinVar's aggregate classification.

Dr. Peter K. Rogan Lab, Western University
No classification provided (evidence only). Condition: Hepatocellular carcinoma. Review status: no classification provided. Collection method: in vitro. Allele origin: not applicable. Functional consequence: skipped exon, retained intron. Not counted in ClinVar's aggregate classification.

Dr. Peter K. Rogan Lab, Western University
No classification provided (evidence only). Condition: Hepatocellular carcinoma. Review status: no classification provided. Collection method: in vitro. Allele origin: not applicable. Functional consequence: skipped exon. Not counted in ClinVar's aggregate classification.

Dr. Peter K. Rogan Lab, Western University
No classification provided (evidence only). Condition: Hepatocellular carcinoma. Review status: no classification provided. Collection method: in vitro. Allele origin: not applicable. Functional consequence: skipped exon, retained intron. Not counted in ClinVar's aggregate classification.

Dr. Peter K. Rogan Lab, Western University
No classification provided (evidence only). Condition: Hepatocellular carcinoma. Review status: no classification provided. Collection method: in vitro. Allele origin: not applicable. Functional consequence: skipped exon, retained intron. Not counted in ClinVar's aggregate classification.

Dr. Peter K. Rogan Lab, Western University
No classification provided (evidence only). Condition: Nonpapillary renal cell carcinoma. Review status: no classification provided. Collection method: in vitro. Allele origin: not applicable. Functional consequence: skipped exon. Not counted in ClinVar's aggregate classification.

Dr. Peter K. Rogan Lab, Western University
No classification provided (evidence only). Condition: Nonpapillary renal cell carcinoma. Review status: no classification provided. Collection method: in vitro. Allele origin: not applicable. Functional consequence: skipped exon, retained intron. Not counted in ClinVar's aggregate classification.

Dr. Peter K. Rogan Lab, Western University
No classification provided (evidence only). Condition: Nonpapillary renal cell carcinoma. Review status: no classification provided. Collection method: in vitro. Allele origin: not applicable. Functional consequence: skipped exon, retained intron. Not counted in ClinVar's aggregate classification.

Dr. Peter K. Rogan Lab, Western University
No classification provided (evidence only). Condition: Thymoma. Review status: no classification provided. Collection method: in vitro. Allele origin: not applicable. Functional consequence: skipped exon, retained intron. Not counted in ClinVar's aggregate classification.

Dr. Peter K. Rogan Lab, Western University
No classification provided (evidence only). Condition: Thymoma. Review status: no classification provided. Collection method: in vitro. Allele origin: not applicable. Functional consequence: skipped exon, retained intron. Not counted in ClinVar's aggregate classification.

Dr. Peter K. Rogan Lab, Western University
No classification provided (evidence only). Condition: Thymoma. Review status: no classification provided. Collection method: in vitro. Allele origin: not applicable. Functional consequence: skipped exon. Not counted in ClinVar's aggregate classification.

Dr. Peter K. Rogan Lab, Western University
No classification provided (evidence only). Condition: Thymoma. Review status: no classification provided. Collection method: in vitro. Allele origin: not applicable. Functional consequence: skipped exon, retained intron. Not counted in ClinVar's aggregate classification.

Dr. Peter K. Rogan Lab, Western University
No classification provided (evidence only). Condition: Thymoma. Review status: no classification provided. Collection method: in vitro. Allele origin: not applicable. Functional consequence: skipped exon, retained intron. Not counted in ClinVar's aggregate classification.